The following is an entry in ClinVar:

ClinVar aggregate classification (germline): Uncertain significance (1 of 4 stars; one submission).

Submission:

GeneDx
Classification: Uncertain significance. Last evaluated: 2025-06-23. Review status: criteria provided, single submitter. Criteria: GeneDx Variant Classification Process June 2021. Collection method: clinical testing. Allele origin: germline. Affected: yes.
Comment: Not observed at significant frequency in large population cohorts (gnomAD); In silico analysis supports that this missense variant has a deleterious effect on protein structure/function; Has not been previously published as pathogenic or benign to our knowledge

NM_002578.5(PAK3):c.1273A>G (p.Thr425Ala)

Gene: PAK3 (p21 (RAC1) activated kinase 3; plus strand). Cytogenetic location: Xq23.
Variant type: single nucleotide variant.
Coding change: c.1273A>G on transcript NM_002578.5 (MANE Select); coding-DNA position 1273, A replaced by G.
Protein change: p.Thr425Ala; replaces threonine 425 with alanine.
Molecular consequence: missense variant. On other transcripts: non-coding transcript variant (2).
Genome position (GRCh38, 1-based): chrX:111,196,506, A>G. VCF-style: chrX-111196506-A-G. GRCh37 (hg19) VCF-style: chrX-110439734-A-G.
Other names: c.1273A>G, p.Thr425Ala (NM_001128166.3, NM_001128167.3, NM_001324325.2 and 5 more transcripts); c.1381A>G, p.Thr461Ala (NM_001128168.3); c.1336A>G, p.Thr446Ala (NM_001128172.2); c.1318A>G, p.Thr440Ala (NM_001128173.3, NM_001324327.2, NM_001324328.2 and 2 more transcripts); short protein forms T425A, T440A, T446A, T461A.
Identifiers: ClinVar variation 4540185 (VCV004540185.1).
Genomic context (GRCh38, chrX:111,196,506, plus strand): 5'-GACTTTGGGTTCTGTGCCCAGATCACTCCTGAGCAAAGTAAACGAAGCACTATGGTGGGA[A>G]CCCCATATTGGATGGCACCTGAGGTGGTGACTCGAAAAGCTTATGGTCCGAAAGTTGATA-3'
Protein context (NP_002569.1, residues 415-435): EQSKRSTMVG[Thr425Ala]PYWMAPEVVT